The following is an entry in ClinVar:

NM_198253.3(TERT):c.518C>T (p.Pro173Leu)

Gene: TERT (telomerase reverse transcriptase; minus strand). Cytogenetic location: 5p15.33.
Variant type: single nucleotide variant.
Coding change: c.518C>T on transcript NM_198253.3 (MANE Select); coding-DNA position 518, C replaced by T.
Protein change: p.Pro173Leu; replaces proline 173 with leucine.
Molecular consequence: missense variant. On other transcripts: non-coding transcript variant (2).
Genome position (GRCh38, 1-based): chr5:1,294,368, G>A on the plus strand (C>T on the coding strand, the complement: TERT is on the minus strand). VCF-style: chr5-1294368-G-A. GRCh37 (hg19) VCF-style: chr5-1294483-G-A.
Other names: c.518C>T, p.Pro173Leu (NM_001193376.3); short protein forms P173L.
Identifiers: ClinVar variation 3752958 (VCV003752958.2).

ClinVar aggregate classification (germline): Uncertain significance (1 of 4 stars; one submission).

Conditions:
Dyskeratosis congenita, autosomal dominant 2. Identifiers: MedGen C3151443, MONDO:0013521, OMIM 613989.
Idiopathic Pulmonary Fibrosis. Also called: Idiopathic fibrosing alveolitis, chronic form; idiopathic fibrosing alveolitis. Identifiers: Orphanet 2032, MedGen C1800706, MeSH D054990, MONDO:0800504.

Submission:

Labcorp Genetics (formerly Invitae), Labcorp
Classification: Uncertain significance for Dyskeratosis congenita, autosomal dominant 2; Idiopathic Pulmonary Fibrosis. Last evaluated: 2025-01-08. Review status: criteria provided, single submitter. Criteria: Invitae Variant Classification Sherloc (09022015). Collection method: clinical testing. Allele origin: germline.
Comment: This sequence change replaces proline, which is neutral and non-polar, with leucine, which is neutral and non-polar, at codon 173 of the TERT protein (p.Pro173Leu). This variant is not present in population databases (gnomAD no frequency). This variant has not been reported in the literature in individuals affected with TERT-related conditions. An algorithm developed to predict the effect of missense changes on protein structure and function outputs the following: PolyPhen-2: "Benign". The leucine amino acid residue is found in multiple mammalian species, which suggests that this missense change does not adversely affect protein function. In summary, the available evidence is currently insufficient to determine the role of this variant in disease. Therefore, it has been classified as a Variant of Uncertain Significance.